The following is an entry in ClinVar:

ClinVar aggregate classification (germline): Uncertain significance. Review status: criteria provided, multiple submitters, no conflicts (2 of 4 stars). 3 submissions from 3 submitters: Uncertain significance (3). Last evaluated 2024-11-24.

Conditions:
Inborn genetic diseases. Identifiers: MedGen C0950123, MeSH D030342.
Acute myeloid leukemia (AML). Also called: Acute myeloid leukemia, adult; AML adult; Acute non-lymphocytic leukemia; Acute granulocytic leukemia; Leukemia, acute myelogenous, somatic; Leukemia, acute myeloid, somatic. Identifiers: Orphanet 519, MedGen C0023467, MeSH D015470, MONDO:0018874, OMIM 601626, HP:0004808. Disease mechanism: Constitutively activated FLT3.

Allele frequency attached by ClinVar (database versions not stated): TOPMed below 0.00001.

Submissions (3):

Ambry Genetics
Classification: Uncertain significance for Inborn genetic diseases. Last evaluated: 2024-11-24. Review status: criteria provided, single submitter. Criteria: Ambry Variant Classification Scheme 2023. Collection method: clinical testing. Allele origin: germline.
Comment: The p.T98R variant (also known as c.293C>G), located in coding exon 1 of the CEBPA gene, results from a C to G substitution at nucleotide position 293. The threonine at codon 98 is replaced by arginine, an amino acid with similar properties. This amino acid position is conserved. In addition, this alteration is predicted to be tolerated by in silico analysis. Based on the available evidence, the clinical significance of this variant remains unclear.

Labcorp Genetics (formerly Invitae), Labcorp
Classification: Uncertain significance for Acute myeloid leukemia. Last evaluated: 2024-10-17. Review status: criteria provided, single submitter. Criteria: Invitae Variant Classification Sherloc (09022015). Collection method: clinical testing. Allele origin: germline.
Comment: This sequence change replaces threonine, which is neutral and polar, with arginine, which is basic and polar, at codon 98 of the CEBPA protein (p.Thr98Arg). This variant is not present in population databases (gnomAD no frequency). This variant has not been reported in the literature in individuals affected with CEBPA-related conditions. ClinVar contains an entry for this variant (Variation ID: 934518). An algorithm developed to predict the effect of missense changes on protein structure and function (PolyPhen-2) suggests that this variant is likely to be tolerated. In summary, the available evidence is currently insufficient to determine the role of this variant in disease. Therefore, it has been classified as a Variant of Uncertain Significance.

GeneDx
Classification: Uncertain significance. Last evaluated: 2023-04-07. Review status: criteria provided, single submitter. Criteria: GeneDx Variant Classification Process June 2021. Collection method: clinical testing. Allele origin: germline. Affected: yes.
Comment: Not observed at significant frequency in large population cohorts (gnomAD); In silico analysis supports that this missense variant does not alter protein structure/function; Has not been previously published as pathogenic or benign to our knowledge

NM_004364.5(CEBPA):c.293C>G (p.Thr98Arg)

Gene: CEBPA (CCAAT enhancer binding protein alpha; minus strand). Cytogenetic location: 19q13.11.
Variant type: single nucleotide variant.
Coding change: c.293C>G on transcript NM_004364.5 (MANE Select); coding-DNA position 293, C replaced by G.
Protein change: p.Thr98Arg; replaces threonine 98 with arginine.
Molecular consequence: missense variant. On other transcripts: 5 prime UTR variant (1).
Genome position (GRCh38, 1-based): chr19:33,302,122, G>C on the plus strand (C>G on the coding strand, the complement: CEBPA is on the minus strand). VCF-style: chr19-33302122-G-C. GRCh37 (hg19) VCF-style: chr19-33793028-G-C.
Other names: c.293C>G (NM_004364.3); c.-65C>G (NM_001285829.2); c.398C>G, p.Thr133Arg (NM_001287424.2); c.251C>G, p.Thr84Arg (NM_001287435.2); short protein forms T98R, T133R, T84R.
Identifiers: ClinVar variation 934518 (VCV000934518.12), dbSNP rs1490895935, ClinGen allele CA405275254.